The following is an entry in ClinVar:

NM_001524.1(HCRT):c.342C>G (p.Arg114=)

Gene: HCRT (hypocretin neuropeptide precursor; minus strand). Cytogenetic location: 17q21.2.
Variant type: single nucleotide variant.
Coding change: c.342C>G on transcript NM_001524.1 (MANE Select); coding-DNA position 342, C replaced by G.
Protein change: p.Arg114=; no amino-acid change (arginine 114 retained).
Molecular consequence: synonymous variant.
Genome position (GRCh38, 1-based): chr17:42,184,208, G>C on the plus strand (C>G on the coding strand, the complement: HCRT is on the minus strand). VCF-style: chr17-42184208-G-C. GRCh37 (hg19) VCF-style: chr17-40336226-G-C.
Identifiers: ClinVar variation 3052861 (VCV003052861.2), dbSNP rs536458711, ClinGen allele CA290717854.
Genomic context (GRCh38, chr17:42,184,208, plus strand): 5'-AACGACTCAGATCCCGGACTGTCCTCCGGGCGCGACGGAGGCGGCGGCCGGGGCGGAACA[G>C]CGGCGCCCGAGGCAGGGGCGCGGCGCTGGCTCTGCGCCTGCGCGGCGGCCCATGGTCAGG-3'
Protein context (NP_001515.1, residues 104-124): EPAPRPCLGR[Arg114=]CSAPAAASVA

ClinVar aggregate classification (germline): Likely benign (0 of 4 stars; one submission).

Conditions:
HCRT-related disorder. Also called: HCRT-related condition.

Allele frequency attached by ClinVar (database versions not stated): gnomAD exomes 0.00005; 1000 Genomes Project 30x 0.00031; 1000 Genomes Project 0.00040; gnomAD 0.00052; TOPMed 0.00054.
gnomAD v4.1: 129 of 1,304,066 alleles (0.0099%); highest among the groups gnomAD compares: African/African-American, 0.2%; no homozygotes.

Submission:

PreventionGenetics, part of Exact Sciences
Classification: Likely benign for HCRT-related condition. Last evaluated: 2019-08-29. Review status: no assertion criteria provided. Collection method: clinical testing. Allele origin: germline.
Comment: This variant is classified as likely benign based on ACMG/AMP sequence variant interpretation guidelines (Richards et al. 2015 PMID: 25741868, with internal and published modifications).